The following is an entry in ClinVar:

NM_005787.6(ALG3):c.1043T>C (p.Ile348Thr)

Gene: ALG3 (ALG3 alpha-1,3- mannosyltransferase; minus strand). Cytogenetic location: 3q27.1.
Variant type: single nucleotide variant.
Coding change: c.1043T>C on transcript NM_005787.6 (MANE Select); coding-DNA position 1043, T replaced by C.
Protein change: p.Ile348Thr; replaces isoleucine 348 with threonine.
Molecular consequence: missense variant. On other transcripts: non-coding transcript variant (2).
Genome position (GRCh38, 1-based): chr3:184,242,924, A>G on the plus strand (T>C on the coding strand, the complement: ALG3 is on the minus strand). VCF-style: chr3-184242924-A-G. GRCh37 (hg19) VCF-style: chr3-183960712-A-G.
Other names: c.899T>C, p.Ile300Thr (NM_001006941.2); short protein forms I300T, I348T.
Identifiers: ClinVar variation 4779409 (VCV004779409.1).

ClinVar aggregate classification (germline): Uncertain significance (1 of 4 stars; one submission).

Conditions:
ALG3-congenital disorder of glycosylation. Also called: CONGENITAL DISORDER OF GLYCOSYLATION, TYPE Id; CDG Id; CARBOHYDRATE-DEFICIENT GLYCOPROTEIN SYNDROME, TYPE IV; CDGS, TYPE IV; ALG3-CDG. Identifiers: Orphanet 79321, MedGen C1832736, MONDO:0010998, OMIM 601110.

gnomAD v4.1: 5 of 1,613,646 alleles (0.00031%); highest among the groups gnomAD compares: Non-Finnish European, 0.00042%; no homozygotes.

Submission:

Labcorp Genetics (formerly Invitae), Labcorp
Classification: Uncertain significance for ALG3-congenital disorder of glycosylation. Last evaluated: 2025-12-08. Review status: criteria provided, single submitter. Criteria: Invitae Variant Classification Sherloc (09022015). Collection method: clinical testing. Allele origin: germline.
Comment: This sequence change replaces isoleucine, which is neutral and non-polar, with threonine, which is neutral and polar, at codon 348 of the ALG3 protein (p.Ile348Thr). This variant is present in population databases (no rsID available, gnomAD 0.007%). This variant has not been reported in the literature in individuals affected with ALG3-related conditions. Invitae Evidence Modeling of protein sequence and biophysical properties (such as structural, functional, and spatial information, amino acid conservation, physicochemical variation, residue mobility, and thermodynamic stability) indicates that this missense variant is expected to disrupt ALG3 protein function with a positive predictive value of 80%. In summary, the available evidence is currently insufficient to determine the role of this variant in disease. Therefore, it has been classified as a Variant of Uncertain Significance.